The following is an entry in ClinVar:

NM_001032.5(RPS29):c.29A>G (p.His10Arg)

Gene: RPS29 (ribosomal protein S29; minus strand). Cytogenetic location: 14q21.3.
Variant type: single nucleotide variant.
Coding change: c.29A>G on transcript NM_001032.5 (MANE Select); coding-DNA position 29, A replaced by G.
Protein change: p.His10Arg; replaces histidine 10 with arginine.
Molecular consequence: missense variant. On other transcripts: intron variant (1).
Genome position (GRCh38, 1-based): chr14:49,586,318, T>C on the plus strand (A>G on the coding strand, the complement: RPS29 is on the minus strand). VCF-style: chr14-49586318-T-C. GRCh37 (hg19) VCF-style: chr14-50053036-T-C.
Other names: c.29A>G, p.His10Arg (NM_001030001.4); c.54-269A>G (NM_001351375.2); short protein forms H10R.
Identifiers: ClinVar variation 2898628 (VCV002898628.3), dbSNP rs746913874, ClinGen allele CA7171946.

ClinVar aggregate classification (germline): Uncertain significance (1 of 4 stars; one submission).

Allele frequency attached by ClinVar (database versions not stated): gnomAD exomes below 0.00001; ExAC 0.00002.
gnomAD v4.1: 1 of 1,613,954 alleles (0.000062%); highest among the groups gnomAD compares: Non-Finnish European, 0.000085%; no homozygotes.

Submission:

Labcorp Genetics (formerly Invitae), Labcorp
Classification: Uncertain significance. Last evaluated: 2024-05-06. Review status: criteria provided, single submitter. Criteria: Invitae Variant Classification Sherloc (09022015). Collection method: clinical testing. Allele origin: germline.
Comment: This sequence change replaces histidine, which is basic and polar, with arginine, which is basic and polar, at codon 10 of the RPS29 protein (p.His10Arg). This variant is present in population databases (rs746913874, gnomAD 0.002%). This variant has not been reported in the literature in individuals affected with RPS29-related conditions. This missense change has been observed in at least one individual who was not affected with RPS29-related conditions (Invitae). An algorithm developed to predict the effect of missense changes on protein structure and function (PolyPhen-2) suggests that this variant is likely to be tolerated. In summary, the available evidence is currently insufficient to determine the role of this variant in disease. Therefore, it has been classified as a Variant of Uncertain Significance.